The following is an entry in ClinVar:

ClinVar aggregate classification (germline): Pathogenic (0 of 4 stars; one submission).

Submission:

Genetic Services Laboratory, University of Chicago
Classification: Pathogenic. Last evaluated: 2022-09-06. Review status: no assertion criteria provided. Collection method: clinical testing. Allele origin: germline. Affected: yes.
Comment: DNA sequence analysis of the ARID1A gene demonstrated a one base pair deletion in exon 3, c.1397del. This likely pathogenic sequence change results in an amino acid frameshift and creates a premature stop codon 153 amino acids downstream of the change, p.Gly466Alafs*153. This sequence change may be in the mosaic state as is was present in 19% of reads by next generation sequencing. This likely pathogenic sequence change is predicted to result in an abnormal transcript, which may be degraded, or may lead to the production of a truncated ARID1A protein with potentially abnormal function. The c.1397del sequence change has not been described in the population databases such as ExAC and gnomAD. While this sequence change has not previously been described in the literature, other truncating variants in the ARID1A gene have been described in several individuals with ARID1A-related disorders (PMID: 31530938, 22426308, 23929686). This likely pathogenic sequence change is the most likely cause of this individual's phenotype, however functional studies have not been performed to prove this conclusively. Heterozygous pathogenic variants in ARID1A have been identified in individuals with Coffin-Siris syndrome-2, a congenital malformation syndrome characterized by developmental delay, intellectual disability, coarse facial features, feeding difficulties, and hypoplastic or absent fifth fingernails and fifth distal phalanges [OMIM# 614607]. Mosaic variants have been reported in individuals with ARID1A-related disorders (PMID: 23929686).

NM_006015.6(ARID1A):c.1397del (p.Gly466fs)

Gene: ARID1A (AT-rich interaction domain 1A; plus strand). Cytogenetic location: 1p36.11.
Variant type: Deletion.
Coding change: c.1397del on transcript NM_006015.6 (MANE Select); coding-DNA position 1397, one base deleted (G; older notation c.1397delG).
Protein change: p.Gly466fs; shifts the reading frame from glycine 466.
Molecular consequence: frameshift variant.
Genome position (GRCh38, 1-based): chr1:26,731,198, G deleted; the last of 3 consecutive G bases (chr1:26,731,196-26,731,198); deleting any one gives the same sequence. VCF-style (leftmost placement, unchanged base first): chr1-26731195-AG-A. GRCh37 (hg19) VCF-style: chr1-27057686-AG-A.
Other names: c.1397del, p.Gly466fs (NM_139135.4); short protein forms G466fs.
Identifiers: ClinVar variation 2443219 (VCV002443219.2), dbSNP rs2525724749, ClinGen allele CA2580062632.